The following is an entry in ClinVar:

ClinVar aggregate classification (germline): Uncertain significance (1 of 4 stars; one submission).

Conditions:
Joubert syndrome 21 (JBTS21). Identifiers: MedGen C3810212, MONDO:0014288, OMIM 615636.

Submission:

Labcorp Genetics (formerly Invitae), Labcorp
Classification: Uncertain significance for Joubert syndrome 21. Last evaluated: 2021-03-20. Review status: criteria provided, single submitter. Criteria: Invitae Variant Classification Sherloc (09022015). Collection method: clinical testing. Allele origin: germline.
Comment: Algorithms developed to predict the effect of missense changes on protein structure and function are either unavailable or do not agree on the potential impact of this missense change (SIFT: "Deleterious"; PolyPhen-2: "Possibly Damaging"; Align-GVGD: "Class C0"). In summary, the available evidence is currently insufficient to determine the role of this variant in disease. Therefore, it has been classified as a Variant of Uncertain Significance. This variant has not been reported in the literature in individuals with CSPP1-related conditions. This sequence change replaces leucine with valine at codon 409 of the CSPP1 protein (p.Leu409Val). The leucine residue is highly conserved and there is a small physicochemical difference between leucine and valine. This variant is not present in population databases (ExAC no frequency).

NM_001382391.1(CSPP1):c.1198T>G (p.Leu400Val)

Gene: CSPP1 (centrosome and spindle pole associated protein 1; plus strand). Cytogenetic location: 8q13.2.
Variant type: single nucleotide variant.
Coding change: c.1198T>G on transcript NM_001382391.1 (MANE Select); coding-DNA position 1198, T replaced by G.
Protein change: p.Leu400Val; replaces leucine 400 with valine.
Molecular consequence: missense variant.
Genome position (GRCh38, 1-based): chr8:67,113,815, T>G. VCF-style: chr8-67113815-T-G. GRCh37 (hg19) VCF-style: chr8-68026050-T-G.
Other names: c.343T>G, p.Leu115Val (NM_001291339.2); c.1117T>G, p.Leu373Val (NM_001363131.2, NM_001363133.2); c.1198T>G, p.Leu400Val (NM_001363132.2); c.1306T>G, p.Leu436Val (NM_001364869.1); c.1126T>G, p.Leu376Val (NM_001364870.1); c.1225T>G, p.Leu409Val (NM_024790.7); short protein forms L376V, L115V, L409V, L373V, L400V, L436V.
Identifiers: ClinVar variation 1463221 (VCV001463221.8), dbSNP rs2129550393, ClinGen allele CA371197580.
Genomic context (GRCh38, chr8:67,113,815, plus strand): 5'-TTGATAGTTTACTATATCTTTTTAATATGTAAAACTTTAATTTTGTTTAGAGAAAAAGAT[T>G]TAGAACTCAGGGTTGCAGCGTCTGGAGCACAAGACCCTGAGAAATCGGTAAGGGTTTCTG-3'
Protein context (NP_001369320.1, residues 390-410): QQRNKRREKD[Leu400Val]ELRVAASGAQ